The following is an entry in ClinVar:

NM_004168.4(SDHA):c.1850C>T (p.Pro617Leu)

Gene: SDHA (succinate dehydrogenase complex flavoprotein subunit A; plus strand). Cytogenetic location: 5p15.33.
Variant type: single nucleotide variant.
Coding change: c.1850C>T on transcript NM_004168.4 (MANE Select); coding-DNA position 1850, C replaced by T.
Protein change: p.Pro617Leu; replaces proline 617 with leucine.
Molecular consequence: missense variant.
Genome position (GRCh38, 1-based): chr5:254,448, C>T. VCF-style: chr5-254448-C-T. GRCh37 (hg19) VCF-style: chr5-254563-C-T.
Other names: c.1706C>T, p.Pro569Leu (NM_001294332.2); c.1607C>T, p.Pro536Leu (NM_001330758.2); short protein forms P536L, P569L, P617L.
Identifiers: ClinVar variation 1040243 (VCV001040243.13), dbSNP rs1485754812, ClinGen allele CA359001953.
Genomic context (GRCh38, chr5:254,448, plus strand): 5'-CTCAGGTGCGGATTGATGAGTACGATTACTCCAAGCCCATCCAGGGGCAACAGAAGAAGC[C>T]CTTTGAGGAGCACTGGAGGAAGCACACCCTGTCCTATGTGGACGTTGGCACTGGGAAGGT-3'
Protein context (NP_004159.2, residues 607-627): SKPIQGQQKK[Pro617Leu]FEEHWRKHTL

ClinVar aggregate classification (germline): Uncertain significance (1 of 4 stars; one submission).

Conditions:
Mitochondrial complex II deficiency, nuclear type 1. Also called: SUCCINATE CoQ REDUCTASE DEFICIENCY. Identifiers: Orphanet 3208, MedGen C5700310, MONDO:0100294, OMIM 252011.
Pheochromocytoma/paraganglioma syndrome 5. Also called: Paragangliomas 5; SDHA-Related Hereditary Paraganglioma-Pheochromocytoma Syndrome. Identifiers: Orphanet 29072, MedGen C3279992, MONDO:0013602, OMIM 614165.

Submission:

Labcorp Genetics (formerly Invitae), Labcorp
Classification: Uncertain significance for Pheochromocytoma/paraganglioma syndrome 5; Mitochondrial complex II deficiency, nuclear type 1. Last evaluated: 2020-06-13. Review status: criteria provided, single submitter. Criteria: Invitae Variant Classification Sherloc (09022015). Collection method: clinical testing. Allele origin: germline.
Comment: In summary, the available evidence is currently insufficient to determine the role of this variant in disease. Therefore, it has been classified as a Variant of Uncertain Significance. Algorithms developed to predict the effect of missense changes on protein structure and function are either unavailable or do not agree on the potential impact of this missense change (SIFT: "Deleterious"; PolyPhen-2: "Possibly Damaging"; Align-GVGD: "Class C0"). This variant has not been reported in the literature in individuals with SDHA-related conditions. This variant is not present in population databases (ExAC no frequency). This sequence change replaces proline with leucine at codon 617 of the SDHA protein (p.Pro617Leu). The proline residue is highly conserved and there is a moderate physicochemical difference between proline and leucine.